The following is an entry in ClinVar:

ClinVar aggregate classification (germline): Conflicting classifications of pathogenicity. Review status: criteria provided, conflicting classifications (1 of 4 stars). 4 submissions from 4 submitters: Likely pathogenic (1); Uncertain significance (2). 1 of the submissions does not count toward it. Last evaluated 2022-10-05.

Conditions:
LCA5-related disorder. Also called: LCA5-related condition.
Leber congenital amaurosis 5 (LCA5). Also called: Amaurosis congenita of Leber, type 5. Identifiers: Orphanet 65, MedGen C1858301, MONDO:0011473, OMIM 604537.

Allele frequency attached by ClinVar (database versions not stated): gnomAD exomes below 0.00001 and 0.00002; ExAC 0.00001; gnomAD 0.00002; TOPMed 0.00002.
gnomAD v4.1: 33 of 1,613,414 alleles (0.002%); highest among the groups gnomAD compares: Non-Finnish European, 0.0027%; no homozygotes.

Submissions (4):

Blueprint Genetics
Classification: Likely pathogenic for LCA5-related disorders. Last evaluated: 2022-10-05. Review status: criteria provided, single submitter. Criteria: ACMG Guidelines, 2015. Collection method: clinical testing. Allele origin: germline. Affected: yes. Observed: 4 variant alleles.

Labcorp Genetics (formerly Invitae), Labcorp
Classification: Uncertain significance. Last evaluated: 2022-07-19. Review status: criteria provided, single submitter. Criteria: Invitae Variant Classification Sherloc (09022015). Collection method: clinical testing. Allele origin: germline.
Comment: This sequence change replaces alanine, which is neutral and non-polar, with proline, which is neutral and non-polar, at codon 222 of the LCA5 protein (p.Ala222Pro). This variant is present in population databases (rs779230735, gnomAD 0.0009%). This variant has not been reported in the literature in individuals affected with LCA5-related conditions. ClinVar contains an entry for this variant (Variation ID: 1034519). Algorithms developed to predict the effect of missense changes on protein structure and function are either unavailable or do not agree on the potential impact of this missense change (SIFT: "Tolerated"; PolyPhen-2: "Possibly Damaging"; Align-GVGD: "Class C0"). In summary, the available evidence is currently insufficient to determine the role of this variant in disease. Therefore, it has been classified as a Variant of Uncertain Significance.

Fulgent Genetics
Classification: Uncertain significance for Leber congenital amaurosis 5. Last evaluated: 2022-02-02. Review status: criteria provided, single submitter. Criteria: ACMG Guidelines, 2015. Collection method: clinical testing. Allele origin: unknown.

Natera, Inc.
Classification: Uncertain significance for Leber congenital amaurosis type 5. Last evaluated: 2020-02-13. Review status: no assertion criteria provided. Collection method: clinical testing. Allele origin: germline. Not counted in ClinVar's aggregate classification.

NM_001122769.3(LCA5):c.664G>C (p.Ala222Pro)

Gene: LCA5 (lebercilin LCA5; minus strand). Cytogenetic location: 6q14.1.
Variant type: single nucleotide variant.
Coding change: c.664G>C on transcript NM_001122769.3 (MANE Select); coding-DNA position 664, G replaced by C.
Protein change: p.Ala222Pro; replaces alanine 222 with proline.
Molecular consequence: missense variant.
Genome position (GRCh38, 1-based): chr6:79,513,268, C>G on the plus strand (G>C on the coding strand, the complement: LCA5 is on the minus strand). VCF-style: chr6-79513268-C-G. GRCh37 (hg19) VCF-style: chr6-80222985-C-G.
Other names: c.664G>C, p.Ala222Pro (NM_181714.4); short protein forms A222P.
Identifiers: ClinVar variation 1034519 (VCV001034519.5), dbSNP rs779230735, ClinGen allele CA3901079.